The following is an entry in ClinVar:

ClinVar aggregate classification (germline): Uncertain significance. Review status: criteria provided, multiple submitters, no conflicts (2 of 4 stars). 3 submissions from 3 submitters: Uncertain significance (3). Last evaluated 2026-02-26.

Conditions:
Familial thoracic aortic aneurysm and aortic dissection (TAAD). Also called: Thoracic aortic aneurysms and dissections. Identifiers: Orphanet 91387, MedGen C4707243, MONDO:0019625.
Ehlers-Danlos syndrome, classic type, 1 (EDSCL1). Also called: Ehlers-Danlos syndrome, type 1; Ehlers-Danlos Syndrome, Classic Type, COL5A1-Related; EDS I; EHLERS-DANLOS SYNDROME, GRAVIS TYPE; EHLERS-DANLOS SYNDROME, SEVERE CLASSIC TYPE. Identifiers: MedGen C0268335, MONDO:0019567, OMIM 130000.

Allele frequency attached by ClinVar (database versions not stated): gnomAD exomes below 0.00001; TOPMed 0.00001.
gnomAD v4.1: 2 of 1,613,038 alleles (0.00012%); highest among the groups gnomAD compares: Non-Finnish European, 0.00017%; no homozygotes.

Submissions (3):

Ambry Genetics
Classification: Uncertain significance for Familial thoracic aortic aneurysm and aortic dissection. Last evaluated: 2026-02-26. Review status: criteria provided, single submitter. Criteria: Ambry Variant Classification Scheme 2023. Collection method: clinical testing. Allele origin: germline.

Women's Health and Genetics/Laboratory Corporation of America, LabCorp
Classification: Uncertain significance. Last evaluated: 2025-11-11. Review status: criteria provided, single submitter. Criteria: LabCorp Variant Classification Summary - May 2015. Collection method: clinical testing. Allele origin: germline.
Comment: Variant summary: COL5A1 c.4987T>G (p.Ser1663Ala) results in a conservative amino acid change in the encoded protein sequence. Algorithms developed to predict the effect of missense changes on protein structure and function are either unavailable or do not agree on the potential impact of this missense change. The variant was absent in 251444 control chromosomes. The available data on variant occurrences in the general population are insufficient to allow any conclusion about variant significance. To our knowledge, no occurrence of c.4987T>G in individuals affected with COL5A1-related conditions and no experimental evidence demonstrating its impact on protein function have been reported. ClinVar contains an entry for this variant (Variation ID: 1915990). Based on the evidence outlined above, the variant was classified as uncertain significance.

Labcorp Genetics (formerly Invitae), Labcorp
Classification: Uncertain significance for Ehlers-Danlos syndrome, classic type, 1. Last evaluated: 2024-09-12. Review status: criteria provided, single submitter. Criteria: Invitae Variant Classification Sherloc (09022015). Collection method: clinical testing. Allele origin: germline.
Comment: This sequence change replaces serine, which is neutral and polar, with alanine, which is neutral and non-polar, at codon 1663 of the COL5A1 protein (p.Ser1663Ala). This variant is not present in population databases (gnomAD no frequency). This variant has not been reported in the literature in individuals affected with COL5A1-related conditions. ClinVar contains an entry for this variant (Variation ID: 1915990). Invitae Evidence Modeling of protein sequence and biophysical properties (such as structural, functional, and spatial information, amino acid conservation, physicochemical variation, residue mobility, and thermodynamic stability) indicates that this missense variant is not expected to disrupt COL5A1 protein function with a negative predictive value of 95%. In summary, the available evidence is currently insufficient to determine the role of this variant in disease. Therefore, it has been classified as a Variant of Uncertain Significance.

NM_000093.5(COL5A1):c.4987T>G (p.Ser1663Ala)

Genes: COL5A1 (collagen type V alpha 1 chain; plus strand), LOC101448202 (uncharacterized LOC101448202; minus strand). Cytogenetic location: 9q34.3.
Variant type: single nucleotide variant.
Coding change: c.4987T>G on transcript NM_000093.5 (MANE Select); coding-DNA position 4987, T replaced by G.
Protein change: p.Ser1663Ala; replaces serine 1663 with alanine.
Molecular consequence: missense variant.
Genome position (GRCh38, 1-based): chr9:134,825,824, T>G. VCF-style: chr9-134825824-T-G. GRCh37 (hg19) VCF-style: chr9-137717670-T-G.
Other names: c.4987T>G, p.Ser1663Ala (NM_001278074.1); c.4987T>G (NM_000093.3); short protein forms S1663A.
Identifiers: ClinVar variation 1915990 (VCV001915990.7), dbSNP rs1436371955, ClinGen allele CA375458891.